The following is an entry in ClinVar:

NM_022455.5(NSD1):c.4658del (p.Gly1553fs)

Gene: NSD1 (nuclear receptor binding SET domain protein 1; plus strand). Cytogenetic location: 5q35.3.
Variant type: Deletion.
Coding change: c.4658del on transcript NM_022455.5 (MANE Select); coding-DNA position 4658, one base deleted (G; older notation c.4658delG).
Protein change: p.Gly1553fs; shifts the reading frame from glycine 1553.
Molecular consequence: frameshift variant.
Genome position (GRCh38, 1-based): chr5:177,251,746, G deleted; the last of 3 consecutive G bases (chr5:177,251,744-177,251,746); deleting any one gives the same sequence. VCF-style (leftmost placement, unchanged base first): chr5-177251743-TG-T. GRCh37 (hg19) VCF-style: chr5-176678744-TG-T.
Other names: c.3785delG, p.Gly1262Valfs (NM_001365684.2, NM_001409306.1, NM_001409307.1 and 3 more transcripts); c.4658delG, p.Gly1553Valfs (NM_001409301.1, NM_001409302.1, NM_001409303.1); c.4238delG, p.Gly1413Valfs (NM_001409304.1); c.3905delG, p.Gly1302Valfs (NM_001409305.1); short protein forms G1284fs, G1553fs.
Identifiers: ClinVar variation 280401 (VCV000280401.2), dbSNP rs886041615, ClinGen allele CA10602918.

ClinVar aggregate classification (germline): Pathogenic (1 of 4 stars; one submission).

Submission:

GeneDx
Classification: Pathogenic. Last evaluated: 2016-02-29. Review status: criteria provided, single submitter. Criteria: GeneDx Variant Classification (06012015). Collection method: clinical testing. Allele origin: germline. Affected: yes.
Comment: The c.4658delG pathogenic variant in the NSD1 gene has not been reported previously as a pathogenic variant nor as a benign variant, to our knowledge. The c.4658delG variant causes a frameshift starting with codon Glycine 1553, changes this amino acid to a Valine residue, and creates a premature Stop codon at position 21 of the new reading frame, denoted p.Gly1553ValfsX21. This variant is predicted to cause loss of normal protein function either through protein truncation or nonsense-mediated mRNA decay. The c.4658delG variant was not observed in approximately 6500 individuals of European and African American ancestry in the NHLBI Exome Sequencing Project, indicating it is not a common benign variant in these populations. We interpret c.4658delG as a pathogenic variant.